The following is an entry in ClinVar:

NM_001267550.2(TTN):c.5884C>A (p.Gln1962Lys)

Gene: TTN (titin; minus strand). Cytogenetic location: 2q31.2.
Variant type: single nucleotide variant.
Coding change: c.5884C>A on transcript NM_001267550.2 (MANE Select); coding-DNA position 5884, C replaced by A.
Protein change: p.Gln1962Lys; replaces glutamine 1962 with lysine.
Molecular consequence: missense variant.
Genome position (GRCh38, 1-based): chr2:178,775,980, G>T on the plus strand (C>A on the coding strand, the complement: TTN is on the minus strand). VCF-style: chr2-178775980-G-T. GRCh37 (hg19) VCF-style: chr2-179640707-G-T.
Other names: c.5884C>A, p.Gln1962Lys (NM_001256850.1, NM_133378.4, NM_133379.5); c.5746C>A, p.Gln1916Lys (NM_003319.4, NM_133432.3, NM_133437.4); short protein forms Q1916K, Q1962K.
Identifiers: ClinVar variation 2428586 (VCV002428586.3), dbSNP rs773951165, ClinGen allele CA2005129.
Genomic context (GRCh38, chr2:178,775,980, plus strand): 5'-CCCTTTTCAACTTCACAACTTCTTTGGTTTCAGTGGTGTCAACAGGTCTATCCACTTTTT[G>T]TACTTCAAACTGAAGCTTTCCTGGTTCATGTACGTGAAACTCAGGCCTTGGTTCAGGAGC-3'
Protein context (NP_001254479.2, residues 1952-1972): HEPGKLQFEV[Gln1962Lys]KVDRPVDTTE

ClinVar aggregate classification (germline): Uncertain significance (1 of 4 stars; one submission).

Allele frequency attached by ClinVar (database versions not stated): ExAC 0.00001; gnomAD exomes 0.00001; gnomAD 0.00003.
gnomAD v4.1: 22 of 1,613,938 alleles (0.0014%); highest among the groups gnomAD compares: Non-Finnish European, 0.0019%; no homozygotes.

Submission:

ARUP Laboratories, Molecular Genetics and Genomics, ARUP Laboratories
Classification: Uncertain significance. Last evaluated: 2022-03-08. Review status: criteria provided, single submitter. Criteria: ARUP Molecular Germline Variant Investigation Process 2021. Collection method: clinical testing. Allele origin: germline.
Comment: The TTN c.5884C>A; p.Gln1962Lys variant (rs773951165) is rare in the general population (<0.2% allele frequency in the Genome Aggregation Database) and has not been reported in the medical literature in association with dilated cardiomyopathy (DCM) or other TTN-related disease. The clinical relevance of rare missense variants in this gene, which are identified on average once per individual sequenced in affected populations (Herman 2012), is not well understood. Yet, evidence suggests that the vast majority of such missense variants do not contribute to the clinical outcome of DCM (Begay 2015). Thus, the clinical significance of the p.Gln1962Lys variant cannot be determined with certainty.